The following is an entry in ClinVar:

NM_020884.7(MYH7B):c.3179G>A (p.Arg1060His)

Gene: MYH7B (myosin heavy chain 7B; plus strand). Cytogenetic location: 20q11.22.
Variant type: single nucleotide variant.
Coding change: c.3179G>A on transcript NM_020884.7 (MANE Select); coding-DNA position 3179, G replaced by A.
Protein change: p.Arg1060His; replaces arginine 1060 with histidine.
Molecular consequence: missense variant.
Genome position (GRCh38, 1-based): chr20:34,996,671, G>A. VCF-style: chr20-34996671-G-A. GRCh37 (hg19) VCF-style: chr20-33584474-G-A.
Other names: short protein forms R1060H.
Identifiers: ClinVar variation 2895737 (VCV002895737.3), dbSNP rs753108709, ClinGen allele CA9827658.

ClinVar aggregate classification (germline): Uncertain significance (1 of 4 stars; one submission).

Allele frequency attached by ClinVar (database versions not stated): gnomAD exomes 0.00001; TOPMed 0.00001; ExAC 0.00003; gnomAD 0.00003.
gnomAD v4.1: 22 of 1,613,442 alleles (0.0014%); highest among the groups gnomAD compares: Admixed American, 0.0083%; no homozygotes.

Submission:

Labcorp Genetics (formerly Invitae), Labcorp
Classification: Uncertain significance. Last evaluated: 2024-08-29. Review status: criteria provided, single submitter. Criteria: Invitae Variant Classification Sherloc (09022015). Collection method: clinical testing. Allele origin: germline.
Comment: This sequence change replaces arginine, which is basic and polar, with histidine, which is basic and polar, at codon 1102 of the MYH7B protein (p.Arg1102His). The frequency data for this variant in the population databases is considered unreliable, as metrics indicate poor data quality at this position in the gnomAD database. This variant has not been reported in the literature in individuals affected with MYH7B-related conditions. Invitae Evidence Modeling of protein sequence and biophysical properties (such as structural, functional, and spatial information, amino acid conservation, physicochemical variation, residue mobility, and thermodynamic stability) has been performed for this missense variant. However, the output from this modeling did not meet the statistical confidence thresholds required to predict the impact of this variant on MYH7B protein function. In summary, the available evidence is currently insufficient to determine the role of this variant in disease. Therefore, it has been classified as a Variant of Uncertain Significance.